The following is an entry in ClinVar:

ClinVar aggregate classification (germline): Uncertain significance (0 of 4 stars; one submission).

Conditions:
TFE3-related disorder. Also called: TFE3-related condition.

Submission:

PreventionGenetics, part of Exact Sciences
Classification: Uncertain significance for TFE3-related condition. Last evaluated: 2024-05-08. Review status: no assertion criteria provided. Collection method: clinical testing. Allele origin: germline.
Comment: The TFE3 c.697G>C variant is predicted to result in the amino acid substitution p.Ala233Pro. To our knowledge, this variant has not been reported in the literature or in a large population database, indicating this variant is rare. At this time, the clinical significance of this variant is uncertain due to the absence of conclusive functional and genetic evidence.

NM_006521.6(TFE3):c.697G>C (p.Ala233Pro)

Gene: TFE3 (transcription factor binding to IGHM enhancer 3; minus strand). Cytogenetic location: Xp11.23.
Variant type: single nucleotide variant.
Coding change: c.697G>C on transcript NM_006521.6 (MANE Select); coding-DNA position 697, G replaced by C.
Protein change: p.Ala233Pro; replaces alanine 233 with proline.
Molecular consequence: missense variant.
Genome position (GRCh38, 1-based): chrX:49,038,280, C>G on the plus strand (G>C on the coding strand, the complement: TFE3 is on the minus strand). VCF-style: chrX-49038280-C-G. GRCh37 (hg19) VCF-style: chrX-48895805-C-G.
Other names: c.382G>C, p.Ala128Pro (NM_001282142.2); short protein forms A128P, A233P.
Identifiers: ClinVar variation 3346129 (VCV003346129.1).